The following is an entry in ClinVar:

NM_080680.3(COL11A2):c.2220G>T (p.Glu740Asp)

Gene: COL11A2 (collagen type XI alpha 2 chain; minus strand). Cytogenetic location: 6p21.32.
Variant type: single nucleotide variant.
Coding change: c.2220G>T on transcript NM_080680.3 (MANE Select); coding-DNA position 2220, G replaced by T.
Protein change: p.Glu740Asp; replaces glutamic acid 740 with aspartic acid.
Molecular consequence: missense variant.
Genome position (GRCh38, 1-based): chr6:33,176,064, C>A on the plus strand (G>T on the coding strand, the complement: COL11A2 is on the minus strand). VCF-style: chr6-33176064-C-A. GRCh37 (hg19) VCF-style: chr6-33143841-C-A.
Other names: c.1899G>T, p.Glu633Asp (NM_080679.3); c.1962G>T, p.Glu654Asp (NM_080681.3); short protein forms E633D, E654D, E740D.
Identifiers: ClinVar variation 1129450 (VCV001129450.22), dbSNP rs202032297, ClinGen allele CA3750986.
Genomic context (GRCh38, chr6:33,176,064, plus strand): 5'-GTCTCTACTCACCCTGTCACCTTTCACGCCTATGTCACCTTTGAACCCAGGAAAGCCATC[C>A]TCACCCTGAGAAAGATAGAGGTGAGAGGGCACCACAGATGACAGAGGGCTGGGGTTCTAA-3'
Protein context (NP_542411.2, residues 730-750): GLKGHKGEKG[Glu740Asp]DGFPGFKGDI

ClinVar aggregate classification (germline): Conflicting classifications of pathogenicity. Review status: criteria provided, conflicting classifications (1 of 4 stars). 6 submissions from 6 submitters: Uncertain significance (4); Likely benign (2). Last evaluated 2026-06-17.

Conditions:
Otospondylomegaepiphyseal dysplasia, autosomal dominant (OSMEDA). Also called: COL11A2-Related Stickler Syndrome; Stickler syndrome, type 3; Pierre Robin syndrome with fetal chondrodysplasia. Identifiers: Orphanet 166100, Orphanet 3450, MedGen C1848488, MONDO:0008490, OMIM 184840.
Fibrochondrogenesis 2 (FBCG2). Identifiers: Orphanet 2021, MedGen C3281128, MONDO:0013795, OMIM 614524.
Otospondylomegaepiphyseal dysplasia, autosomal recessive (OSMEDB). Also called: CHONDRODYSTROPHY WITH SENSORINEURAL DEAFNESS; Insley-Astley syndrome. Identifiers: Orphanet 1427, MedGen CN034493, MONDO:0044206, OMIM 215150.
Autosomal dominant nonsyndromic hearing loss 13. Identifiers: Orphanet 90635, MedGen C1866095, MONDO:0011159, OMIM 601868.
Autosomal recessive nonsyndromic hearing loss 53. Identifiers: Orphanet 90636, MedGen C1864746, MONDO:0012333, OMIM 609706.
COL11A2-related disorder. Also called: COL11A2-related condition; COL11A2-related disorders.

gnomAD v4.1: 58 of 1,612,908 alleles (0.0036%); highest among the groups gnomAD compares: Admixed American, 0.093%; 1 homozygote.

Submissions (6):

PreventionGenetics, part of Exact Sciences
Classification: Uncertain significance for COL11A2-related condition. Last evaluated: 2026-06-17. Review status: criteria provided, single submitter. Criteria: ACMG Guidelines, 2015. Collection method: clinical testing. Allele origin: germline.
Comment: The COL11A2 c.2220G>T variant is predicted to result in the amino acid substitution p.Glu740Asp. To our knowledge, this variant has not been reported in the literature. This variant is reported in 0.13% of alleles in individuals of Latino descent in gnomAD, including one homozygote. Although we suspect that this variant may be benign, at this time, the clinical significance of this variant is uncertain due to the absence of conclusive functional and genetic evidence.

Labcorp Genetics (formerly Invitae), Labcorp
Classification: Likely benign. Last evaluated: 2025-09-22. Review status: criteria provided, single submitter. Criteria: Invitae Variant Classification Sherloc (09022015). Collection method: clinical testing. Allele origin: germline.

GeneDx
Classification: Uncertain significance. Last evaluated: 2025-07-23. Review status: criteria provided, single submitter. Criteria: GeneDx Variant Classification Process June 2021. Collection method: clinical testing. Allele origin: germline. Affected: yes.
Comment: In silico analysis supports that this missense variant has a deleterious effect on protein structure/function; Has not been previously published as pathogenic or benign to our knowledge

Women's Health and Genetics/Laboratory Corporation of America, LabCorp
Classification: Likely benign. Last evaluated: 2025-01-03. Review status: criteria provided, single submitter. Criteria: LabCorp Variant Classification Summary - May 2015. Collection method: clinical testing. Allele origin: germline.
Comment: Variant summary: COL11A2 c.2220G>T (p.Glu740Asp) results in a conservative amino acid change in the encoded protein sequence. Four of five in-silico tools predict a benign effect of the variant on protein function. The variant allele was found at a frequency of 0.00018 in 246870 control chromosomes, predominantly at a frequency of 0.0013 within the Latino subpopulation in the gnomAD database, including 1 homozygote. To our knowledge, no occurrence of c.2220G>T in individuals affected with COL11A2-Related Disorders and no experimental evidence demonstrating its impact on protein function have been reported. ClinVar contains an entry for this variant (Variation ID: 1129450). Based on the evidence outlined above, the variant was classified as likely benign.

Fulgent Genetics
Classification: Uncertain significance for Otospondylomegaepiphyseal dysplasia, autosomal dominant; Otospondylomegaepiphyseal dysplasia, autosomal recessive; Autosomal dominant nonsyndromic hearing loss 13; Autosomal recessive nonsyndromic hearing loss 53; Fibrochondrogenesis 2. Last evaluated: 2024-03-04. Review status: criteria provided, single submitter. Criteria: ACMG Guidelines, 2015. Collection method: clinical testing. Allele origin: germline.

Blueprint Genetics
Classification: Uncertain significance. Last evaluated: 2022-09-07. Review status: criteria provided, single submitter. Criteria: ACMG Guidelines, 2015. Collection method: clinical testing. Allele origin: germline.